The following is an entry in ClinVar:

ClinVar aggregate classification (germline): Likely pathogenic (1 of 4 stars; one submission).

Submission:

Labcorp Genetics (formerly Invitae), Labcorp
Classification: Likely pathogenic. Last evaluated: 2023-03-14. Review status: criteria provided, single submitter. Criteria: Invitae Variant Classification Sherloc (09022015). Collection method: clinical testing. Allele origin: germline.
Comment: This variant is not present in population databases (gnomAD no frequency). In summary, the currently available evidence indicates that the variant is pathogenic, but additional data are needed to prove that conclusively. Therefore, this variant has been classified as Likely Pathogenic. Algorithms developed to predict the effect of sequence changes on RNA splicing suggest that this variant may disrupt the consensus splice site. This variant has not been reported in the literature in individuals affected with TANGO2-related conditions. This sequence change affects an acceptor splice site in intron 4 of the TANGO2 gene. It is expected to disrupt RNA splicing. Variants that disrupt the donor or acceptor splice site typically lead to a loss of protein function (PMID: 16199547), and loss-of-function variants in TANGO2 are known to be pathogenic (PMID: 26805781, 26805782).

Literature cited by the submitters: PubMed 16199547; PubMed 26805781; PubMed 26805782.

NM_152906.7(TANGO2):c.266-2A>G

Gene: TANGO2 (transport and golgi organization 2 homolog; plus strand). Cytogenetic location: 22q11.21.
Variant type: single nucleotide variant.
Coding change: c.266-2A>G on transcript NM_152906.7 (MANE Select); the canonical splice acceptor site of the intron before coding-DNA position 266, A replaced by G.
Molecular consequence: splice acceptor variant. On other transcripts: synonymous variant (3), intron variant (18).
Genome position (GRCh38, 1-based): chr22:20,053,435, A>G. VCF-style: chr22-20053435-A-G. GRCh37 (hg19) VCF-style: chr22-20040958-A-G.
Other names: c.162A>G, p.Thr54= (NM_001322146.2, NM_001322148.2, NM_001322160.2); c.266-2A>G (NM_001283106.3, NM_001283154.3, NM_001283199.3 and 3 more transcripts); c.265+851A>G (NM_001322163.2, NM_001283179.3, NM_001322167.2 and 4 more transcripts); c.86+851A>G (NM_001322174.2, NM_001322172.2, NM_001322175.2 and 6 more transcripts); c.389-2A>G (NM_001322143.2, NM_001322141.2, NM_001283129.3 and 3 more transcripts); c.388+851A>G (NM_001322145.2, NM_001322147.2).
Identifiers: ClinVar variation 2845566 (VCV002845566.3), dbSNP rs2518822695, ClinGen allele CA410696470.